The following is an entry in ClinVar:

ClinVar aggregate classification (germline): Uncertain significance. Review status: criteria provided, multiple submitters, no conflicts (2 of 4 stars). 3 submissions from 3 submitters: Uncertain significance (3). Last evaluated 2024-06-02.

Conditions:
Dilated cardiomyopathy 1G (CMD1G). Identifiers: Orphanet 154, MedGen C1858763, MONDO:0011400, OMIM 604145.
Autosomal recessive limb-girdle muscular dystrophy type 2J (LGMDR10). Also called: Limb-girdle muscular dystrophy, type 2J; MUSCULAR DYSTROPHY, LIMB-GIRDLE, AUTOSOMAL RECESSIVE 10. Identifiers: Orphanet 140922, MedGen C1837342, MONDO:0012127, OMIM 608807.

Submissions (3):

Labcorp Genetics (formerly Invitae), Labcorp
Classification: Uncertain significance for Dilated cardiomyopathy 1G; Autosomal recessive limb-girdle muscular dystrophy type 2J. Last evaluated: 2024-06-02. Review status: criteria provided, single submitter. Criteria: Invitae Variant Classification Sherloc (09022015). Collection method: clinical testing. Allele origin: germline.
Comment: This sequence change falls in intron 39 of the TTN gene. It does not directly change the encoded amino acid sequence of the TTN protein. It affects a nucleotide within the consensus splice site. This variant is not present in population databases (gnomAD no frequency). This variant has not been reported in the literature in individuals affected with TTN-related conditions. ClinVar contains an entry for this variant (Variation ID: 809094). Variants that disrupt the consensus splice site are a relatively common cause of aberrant splicing (PMID: 17576681, 9536098). Algorithms developed to predict the effect of sequence changes on RNA splicing suggest that this variant is not likely to affect RNA splicing. This variant is located in the I band of TTN (PMID: 25589632). Non-truncating variants in this region may be clinically relevant, but have not been definitively shown to cause cardiomyopathy or neuromuscular disease (PMID: 27493940, 32778822). In summary, the available evidence is currently insufficient to determine the role of this variant in disease. Therefore, it has been classified as a Variant of Uncertain Significance.

Blueprint Genetics
Classification: Uncertain significance. Last evaluated: 2023-02-08. Review status: criteria provided, single submitter. Criteria: ACMG Guidelines, 2015. Collection method: clinical testing. Allele origin: germline.

CeGaT Center for Human Genetics Tuebingen
Classification: Uncertain significance. Last evaluated: 2016-06-01. Review status: criteria provided, single submitter. Criteria: CeGaT Center For Human Genetics Tuebingen Variant Classification Criteria Version 2. Collection method: clinical testing. Allele origin: germline. Affected: yes. Observed: 1 variant allele.

Literature cited by the submitters: PubMed 17576681 (cited by Labcorp Genetics (formerly Invitae), Labcorp); PubMed 9536098 (cited by Labcorp Genetics (formerly Invitae), Labcorp); PubMed 25589632 (cited by Labcorp Genetics (formerly Invitae), Labcorp); PubMed 27493940 (cited by Labcorp Genetics (formerly Invitae), Labcorp); PubMed 32778822 (cited by Labcorp Genetics (formerly Invitae), Labcorp).

NM_001267550.2(TTN):c.9305+4A>G

Gene: TTN (titin; minus strand). Cytogenetic location: 2q31.2.
Variant type: single nucleotide variant.
Coding change: c.9305+4A>G on transcript NM_001267550.2 (MANE Select); 4 bases into the intron after coding-DNA position 9305, A replaced by G.
Molecular consequence: intron variant.
Genome position (GRCh38, 1-based): chr2:178,768,010, T>C on the plus strand (A>G on the coding strand, the complement: TTN is on the minus strand). VCF-style: chr2-178768010-T-C. GRCh37 (hg19) VCF-style: chr2-179632737-T-C.
Other names: c.9167+4A>G (NM_003319.4, NM_133437.4, NM_133432.3); c.9305+4A>G (NM_133378.4, NM_001256850.1, NM_133379.5).
Identifiers: ClinVar variation 809094 (VCV000809094.47), dbSNP rs746628782, ClinGen allele CA915942216.